The following is an entry in ClinVar:

ClinVar aggregate classification (germline): Likely benign (1 of 4 stars; one submission).

Allele frequency attached by ClinVar (database versions not stated): ExAC 0.00007; gnomAD exomes 0.00009; 1000 Genomes Project 0.00020; ESP Exome Variant Server 0.00025; 1000 Genomes Project 30x 0.00031; gnomAD 0.00038; TOPMed 0.00051.
gnomAD v4.1: 201 of 1,613,918 alleles (0.012%); highest among the groups gnomAD compares: Middle Eastern, 0.15%; no homozygotes.

Submission:

CeGaT Center for Human Genetics Tuebingen
Classification: Likely benign. Last evaluated: 2022-06-01. Review status: criteria provided, single submitter. Criteria: CeGaT Center For Human Genetics Tuebingen Variant Classification Criteria Version 2. Collection method: clinical testing. Allele origin: germline. Affected: yes. Observed: 1 variant allele.
Comment: COL28A1: BP4, BP7

NM_001037763.3(COL28A1):c.1347T>C (p.Pro449=)

Gene: COL28A1 (collagen type XXVIII alpha 1 chain; minus strand). Cytogenetic location: 7p21.3.
Variant type: single nucleotide variant.
Coding change: c.1347T>C on transcript NM_001037763.3 (MANE Select); coding-DNA position 1347, T replaced by C.
Protein change: p.Pro449=; no amino-acid change (proline 449 retained).
Molecular consequence: synonymous variant.
Genome position (GRCh38, 1-based): chr7:7,456,068, A>G on the plus strand (T>C on the coding strand, the complement: COL28A1 is on the minus strand). VCF-style: chr7-7456068-A-G. GRCh37 (hg19) VCF-style: chr7-7495699-A-G.
Identifiers: ClinVar variation 2657315 (VCV002657315.24), dbSNP rs191967922, ClinGen allele CA4159796.
Genomic context (GRCh38, chr7:7,456,068, plus strand): 5'-TCTGCACTGAAGGGAAAGGAAGAATGCATTAATTACCTGTTCCCCTTGACTCCCGATTCC[A>G]GGGATACCCATTGGTCCTTGGGGTCCCACAGGTCCTATATCCCCCTGCACAGAAAATAAG-3'
Protein context (NP_001032852.2, residues 439-459): PVGPQGPMGI[Pro449=]GIGSQGEQGI